The following is an entry in ClinVar:

ClinVar aggregate classification (germline): Uncertain significance (1 of 4 stars; one submission).

Conditions:
Hereditary pancreatitis (PCTT). Also called: Hereditary chronic pancreatitis; PRSS1-Related Hereditary Pancreatitis. Identifiers: Orphanet 676, MedGen C0238339, MONDO:0008185, OMIM 167800.

Allele frequency attached by ClinVar (database versions not stated): ExAC 0.00001.

Submission:

Ambry Genetics
Classification: Uncertain significance for Hereditary pancreatitis. Last evaluated: 2016-09-15. Review status: criteria provided, single submitter. Criteria: Ambry Variant Classification Scheme 2023. Collection method: clinical testing. Allele origin: germline.
Comment: The p.D19G variant (also known as c.56A>G), located in coding exon 2 of the PRSS1 gene, results from an A to G substitution at nucleotide position 56. The aspartic acid at codon 19 is replaced by glycine, an amino acid with similar properties. This variant was not reported in population based cohorts in the following databases: Database of Single Nucleotide Polymorphisms (dbSNP), NHLBI Exome Sequencing Project (ESP), and 1000 Genomes Project. In the ESP, this variant was not observed in 6503 samples (13006 alleles) with coverage at this position. This amino acid position is well conserved in available vertebrate species. In addition, the in silico prediction for this alteration is inconclusive. Since supporting evidence is limited at this time, the clinical significance of this alteration remains unclear.

Literature cited by the submitters: PubMed 12832630.

NM_002769.5(PRSS1):c.56A>G (p.Asp19Gly)

Genes: TRB (T cell receptor beta locus; plus strand), PRSS1 (serine protease 1; plus strand). Cytogenetic location: 7q34.
Variant type: single nucleotide variant.
Coding change: c.56A>G on transcript NM_002769.5 (MANE Select); coding-DNA position 56, A replaced by G.
Protein change: p.Asp19Gly; replaces aspartic acid 19 with glycine.
Molecular consequence: missense variant. On other transcripts: non-coding transcript variant (2).
Genome position (GRCh38, 1-based): chr7:142,750,570, A>G. VCF-style: chr7-142750570-A-G. GRCh37 (hg19) VCF-style: chr7-142458421-A-G.
Other names: short protein forms D19G.
Identifiers: ClinVar variation 1749143 (VCV001749143.2), dbSNP rs769369961, ClinGen allele CA4529660.